The following is an entry in ClinVar:

NM_001035.3(RYR2):c.13031G>A (p.Gly4344Glu)

Genes: RYR2 (ryanodine receptor 2; plus strand), LOC126806068 (BRD4-independent group 4 enhancer GRCh37_chr1:237947411-237948610; plus strand). Cytogenetic location: 1q43.
Variant type: single nucleotide variant.
Coding change: c.13031G>A on transcript NM_001035.3 (MANE Select); coding-DNA position 13031, G replaced by A.
Protein change: p.Gly4344Glu; replaces glycine 4344 with glutamic acid.
Molecular consequence: missense variant.
Genome position (GRCh38, 1-based): chr1:237,784,743, G>A. VCF-style: chr1-237784743-G-A. GRCh37 (hg19) VCF-style: chr1-237948043-G-A.
Other names: short protein forms G4344E.
Identifiers: ClinVar variation 3012825 (VCV003012825.3), dbSNP rs376433496, ClinGen allele CA39828155.
Genomic context (GRCh38, chr1:237,784,743, plus strand): 5'-AGATCAAAGTTGCAGAACTGTTAGCCAACATGCCAGACCCCACTCAGGATGAGGTTAGAG[G>A]AGATGGGGAGGAGGGAGAGAGGAAACCCCTGGAAGCCGCCCTGCCCTCCGAGGATCTGAC-3'
Protein context (NP_001026.2, residues 4334-4354): MPDPTQDEVR[Gly4344Glu]DGEEGERKPL

ClinVar aggregate classification (germline): Uncertain significance (1 of 4 stars; one submission).

Conditions:
Catecholaminergic polymorphic ventricular tachycardia 1. Also called: VENTRICULAR TACHYCARDIA, CATECHOLAMINERGIC POLYMORPHIC, 1, WITH OR WITHOUT ATRIAL DYSFUNCTION AND/OR DILATED CARDIOMYOPATHY; VENTRICULAR TACHYCARDIA, STRESS-INDUCED POLYMORPHIC 1; RYR2-Related Catecholaminergic Polymorphic Ventricular Tachycardia. Identifiers: Orphanet 3286, MedGen C1631597, MONDO:0011484, OMIM 604772.

Allele frequency attached by ClinVar (database versions not stated): TOPMed below 0.00001; ESP Exome Variant Server 0.00008.

Submission:

Labcorp Genetics (formerly Invitae), Labcorp
Classification: Uncertain significance for Catecholaminergic polymorphic ventricular tachycardia 1. Last evaluated: 2023-11-11. Review status: criteria provided, single submitter. Criteria: Invitae Variant Classification Sherloc (09022015). Collection method: clinical testing. Allele origin: germline.
Comment: This sequence change replaces glycine, which is neutral and non-polar, with glutamic acid, which is acidic and polar, at codon 4344 of the RYR2 protein (p.Gly4344Glu). This variant is present in population databases (rs376433496, gnomAD 0.007%). This variant has not been reported in the literature in individuals affected with RYR2-related conditions. Advanced modeling of protein sequence and biophysical properties (such as structural, functional, and spatial information, amino acid conservation, physicochemical variation, residue mobility, and thermodynamic stability) performed at Invitae indicates that this missense variant is not expected to disrupt RYR2 protein function with a negative predictive value of 95%. In summary, the available evidence is currently insufficient to determine the role of this variant in disease. Therefore, it has been classified as a Variant of Uncertain Significance.